The following is an entry in ClinVar:

NM_153704.6(TMEM67):c.2962T>C (p.Leu988=)

Gene: TMEM67 (transmembrane protein 67; plus strand). Cytogenetic location: 8q22.1.
Variant type: single nucleotide variant.
Coding change: c.2962T>C on transcript NM_153704.6 (MANE Select); coding-DNA position 2962, T replaced by C.
Protein change: p.Leu988=; no amino-acid change (leucine 988 retained).
Molecular consequence: synonymous variant. On other transcripts: non-coding transcript variant (1).
Genome position (GRCh38, 1-based): chr8:93,816,426, T>C. VCF-style: chr8-93816426-T-C. GRCh37 (hg19) VCF-style: chr8-94828654-T-C.
Other names: c.2719T>C, p.Leu907= (NM_001142301.1).
Identifiers: ClinVar variation 2923591 (VCV002923591.4), dbSNP rs762068518, ClinGen allele CA4808444.

ClinVar aggregate classification (germline): Likely benign. Review status: criteria provided, multiple submitters, no conflicts (2 of 4 stars). 2 submissions from 2 submitters: Likely benign (2). Last evaluated 2026-05-28.

Conditions:
TMEM67-related disorder. Also called: TMEM67-related condition; TMEM67-related disorders. Identifiers: MedGen CN239423.
Meckel-Gruber syndrome. Also called: Dysencephalia splachnocystica; DYSENCEPHALIA SPLANCHNOCYSTICA; GRUBER SYNDROME. Identifiers: Orphanet 564, MedGen C0265215, MONDO:0018921.
Joubert syndrome. Also called: Familial aplasia of the vermis; JOUBERT-BOLTSHAUSER SYNDROME. Identifiers: Orphanet 475, MedGen C5979921, MONDO:0018772.

Allele frequency attached by ClinVar (database versions not stated): gnomAD exomes 0.00001; ExAC 0.00003.
gnomAD v4.1: 13 of 1,597,580 alleles (0.00081%); highest among the groups gnomAD compares: South Asian, 0.014%; 1 homozygote.

Submissions (2):

PreventionGenetics, part of Exact Sciences
Classification: Likely benign for TMEM67-related condition. Last evaluated: 2026-05-28. Review status: criteria provided, single submitter. Criteria: ACMG Guidelines, 2015. Collection method: clinical testing. Allele origin: germline.
Comment: This variant is classified as likely benign based on ACMG/AMP sequence variant interpretation guidelines (Richards et al. 2015 PMID: 25741868, with internal and published modifications).

Labcorp Genetics (formerly Invitae), Labcorp
Classification: Likely benign for Joubert syndrome; Meckel-Gruber syndrome. Last evaluated: 2023-07-26. Review status: criteria provided, single submitter. Criteria: Invitae Variant Classification Sherloc (09022015). Collection method: clinical testing. Allele origin: germline.